The following is an entry in ClinVar:

ClinVar aggregate classification (germline): Uncertain significance (1 of 4 stars; one submission).

Conditions:
Hereditary sensory and autonomic neuropathy type 6. Also called: HSAN VI; Neuropathy, hereditary sensory and autonomic, type VI. Identifiers: Orphanet 314381, MedGen C3539003, MONDO:0013839, OMIM 614653.
Epidermolysis bullosa simplex 3, localized or generalized intermediate, with BP230 deficiency (EBS3). Also called: Epidermolysis bullosa simplex due to BP230 deficiency; Epidermolysis bullosa simplex, autosomal recessive 2. Identifiers: Orphanet 412181, MedGen C3809470, MONDO:0014180, OMIM 615425.

Allele frequency attached by ClinVar (database versions not stated): gnomAD exomes below 0.00001 and 0.00002; gnomAD 0.00001; TOPMed 0.00001.
gnomAD v4.1: 25 of 1,614,076 alleles (0.0015%); highest among the groups gnomAD compares: Non-Finnish European, 0.002%; no homozygotes.

Submission:

Labcorp Genetics (formerly Invitae), Labcorp
Classification: Uncertain significance for Epidermolysis bullosa simplex 3, localized or generalized intermediate, with BP230 deficiency; Hereditary sensory and autonomic neuropathy type 6. Last evaluated: 2020-01-06. Review status: criteria provided, single submitter. Criteria: Invitae Variant Classification Sherloc (09022015). Collection method: clinical testing. Allele origin: germline.
Comment: In summary, the available evidence is currently insufficient to determine the role of this variant in disease. Therefore, it has been classified as a Variant of Uncertain Significance. Algorithms developed to predict the effect of missense changes on protein structure and function (SIFT, PolyPhen-2, Align-GVGD) all suggest that this variant is likely to be tolerated, but these predictions have not been confirmed by published functional studies and their clinical significance is uncertain. This variant has not been reported in the literature in individuals with DST-related conditions. This variant is not present in population databases (ExAC no frequency). This sequence change replaces glutamine with arginine at codon 2000 of the DST protein (p.Gln2000Arg). The glutamine residue is weakly conserved and there is a small physicochemical difference between glutamine and arginine.

NM_001723.7(DST):c.5999A>G (p.Gln2000Arg)

Gene: DST (dystonin; minus strand). Cytogenetic location: 6p12.1.
Variant type: single nucleotide variant.
Coding change: c.5999A>G on transcript NM_001723.7 (MANE Plus Clinical); coding-DNA position 5999, A replaced by G.
Protein change: p.Gln2000Arg; replaces glutamine 2000 with arginine.
Molecular consequence: missense variant. On other transcripts: intron variant (10).
Genome position (GRCh38, 1-based): chr6:56,618,035, T>C on the plus strand (A>G on the coding strand, the complement: DST is on the minus strand). VCF-style: chr6-56618035-T-C. GRCh37 (hg19) VCF-style: chr6-56482833-T-C.
Other names: c.4831-3551A>G (NM_001144769.5); c.4930-3551A>G (NM_001374722.1, NM_001374736.1); c.4957-3551A>G (NM_001374734.1); c.4417-3551A>G (NM_001144770.2); c.4297-3551A>G (NM_001374730.1, NM_001386100.1, NM_183380.4 and 1 more transcripts); c.3319-3551A>G (NM_015548.5); short protein forms Q2000R.
Identifiers: ClinVar variation 1020074 (VCV001020074.9), dbSNP rs1252306296, ClinGen allele CA364566115.